The following is an entry in ClinVar:

NM_001123396.4(CCR2):c.780T>C (p.Asn260=)

Gene: CCR2 (C-C motif chemokine receptor 2; plus strand). Cytogenetic location: 3p21.31.
Variant type: single nucleotide variant.
Coding change: c.780T>C on transcript NM_001123396.4 (MANE Select); coding-DNA position 780, T replaced by C.
Protein change: p.Asn260=; no amino-acid change (asparagine 260 retained).
Molecular consequence: synonymous variant.
Genome position (GRCh38, 1-based): chr3:46,358,307, T>C. VCF-style: chr3-46358307-T-C. GRCh37 (hg19) VCF-style: chr3-46399798-T-C.
Other names: c.780T>C, p.Asn260= (NM_001123041.3).
Identifiers: ClinVar variation 3059948 (VCV003059948.2), dbSNP rs1799865, ClinGen allele CA2354401.

ClinVar aggregate classification (germline): Benign (0 of 4 stars; one submission).

Conditions:
CCR2-related disorder. Also called: CCR2-related condition.

Allele frequency attached by ClinVar (database versions not stated): gnomAD exomes 0.31378; ExAC 0.31917; gnomAD 0.31999; TOPMed 0.32285; 1000 Genomes Project 30x 0.32542; ESP Exome Variant Server 0.32796; 1000 Genomes Project 0.32847.
gnomAD v4.1: 507,872 of 1,613,876 alleles (31%); highest among the groups gnomAD compares: Middle Eastern, 39%; 80,922 homozygotes.

Submission:

PreventionGenetics, part of Exact Sciences
Classification: Benign for CCR2-related condition. Last evaluated: 2019-10-17. Review status: no assertion criteria provided. Collection method: clinical testing. Allele origin: germline.
Comment: This variant is classified as benign based on ACMG/AMP sequence variant interpretation guidelines (Richards et al. 2015 PMID: 25741868, with internal and published modifications).